The following is an entry in ClinVar:

ClinVar aggregate classification (germline): Uncertain significance (1 of 4 stars; one submission).

Conditions:
Peroxisome biogenesis disorder 7A (Zellweger). Also called: Peroxisome biogenesis disorder 7A. Identifiers: Orphanet 912, MedGen C3888385, MONDO:0013938, OMIM 614872.
Peroxisome biogenesis disorder 7B (PBD7B). Identifiers: Orphanet 44, MedGen C3553951, MONDO:0013939, OMIM 614873.

Allele frequency attached by ClinVar (database versions not stated): gnomAD 0.00001.

Submission:

Labcorp Genetics (formerly Invitae), Labcorp
Classification: Uncertain significance for Peroxisome biogenesis disorder 7A (Zellweger); Peroxisome biogenesis disorder 7B. Last evaluated: 2021-10-24. Review status: criteria provided, single submitter. Criteria: Invitae Variant Classification Sherloc (09022015). Collection method: clinical testing. Allele origin: germline.
Comment: This sequence change replaces leucine with proline at codon 19 of the PEX26 protein (p.Leu19Pro). The leucine residue is moderately conserved and there is a moderate physicochemical difference between leucine and proline. This variant is not present in population databases (ExAC no frequency). This variant has not been reported in the literature in individuals affected with PEX26-related conditions. Algorithms developed to predict the effect of missense changes on protein structure and function are either unavailable or do not agree on the potential impact of this missense change (SIFT: "Tolerated"; PolyPhen-2: "Probably Damaging"; Align-GVGD: "Class C0"). In summary, the available evidence is currently insufficient to determine the role of this variant in disease. Therefore, it has been classified as a Variant of Uncertain Significance.

NM_001127649.3(PEX26):c.56T>C (p.Leu19Pro)

Gene: PEX26 (peroxisomal biogenesis factor 26; plus strand). Cytogenetic location: 22q11.21.
Variant type: single nucleotide variant.
Coding change: c.56T>C on transcript NM_001127649.3 (MANE Select); coding-DNA position 56, T replaced by C.
Protein change: p.Leu19Pro; replaces leucine 19 with proline.
Molecular consequence: missense variant.
Genome position (GRCh38, 1-based): chr22:18,078,432, T>C. VCF-style: chr22-18078432-T-C. GRCh37 (hg19) VCF-style: chr22-18561198-T-C.
Other names: c.56T>C, p.Leu19Pro (NM_001199319.2, NM_017929.6); short protein forms L19P.
Identifiers: ClinVar variation 1408740 (VCV001408740.3), dbSNP rs1287277452, ClinGen allele CA410264237.